The following is an entry in ClinVar:

NC_000005.9:g.(?_138117614)_(138269778_?)del

Genes: LRRTM2 (leucine rich repeat transmembrane neuronal 2; minus strand), CTNNA1 (catenin alpha 1; plus strand). Cytogenetic location: 5q31.2.
Variant type: Deletion.
Identifiers: ClinVar variation 3381259 (VCV003381259.1).

ClinVar aggregate classification (germline): Pathogenic (1 of 4 stars; one submission).

Conditions:
Hereditary cancer-predisposing syndrome. Also called: Neoplastic Syndromes, Hereditary; Tumor predisposition; Hereditary Cancer Syndrome; Hereditary neoplastic syndrome. Identifiers: Orphanet 140162, MedGen C0027672, MeSH D009386, MONDO:0015356.

Submission:

Department of Pathology and Laboratory Medicine, Sinai Health System
Classification: Pathogenic for Hereditary cancer-predisposing syndrome. Last evaluated: 2024-11-04. Review status: criteria provided, single submitter. Criteria: ACMG Guidelines, 2015. Collection method: clinical testing. Allele origin: de novo. Affected: yes.
Comment: The CTNNA1 c.1-?_2721+?del variant (chr:5 g.138117614-?_138269778+?del GRCh37) results in a whole gene deletion, although the precise breakpoints of this deletion were not determined, nor were the effects of this variant on the resulting mRNA or protein product determined. The CTNNA1 c.1-?_2721+?del variant was not identified in the literature nor was it identified in the dbSNP database. The variant was identified in ClinVar (classified as uncertain significance by Invitae). The variant was not identified in the following control databases: the Exome Aggregation Consortium (August 8th 2016) or the Genome Aggregation Database (Feb 27, 2017). Loss of function variants of the CTNNA1 gene are an established mechanism of disease in CTNNA1-associated cancers and this is the type of variant expected to cause the disorder. In summary, based on the above information this variant meets our laboratory’s criteria to be classified as pathogenic.